The following is an entry in ClinVar:

ClinVar aggregate classification (germline): Likely benign (1 of 4 stars; one submission).

Submission:

CeGaT Center for Human Genetics Tuebingen
Classification: Likely benign. Last evaluated: 2026-08-01. Review status: criteria provided, single submitter. Criteria: CeGaT Center For Human Genetics Tuebingen Variant Classification Criteria Version 2. Collection method: clinical testing. Allele origin: germline. Affected: yes. Observed: 1 variant allele.
Comment: TSC2: BS1

NM_000548.5(TSC2):c.5069-47_5069-46insCAGGAAAGGTAGGGCCGGGTGGGGCCCTGCAGTGCAGGAAAGGTAGGACCGGGTGGGGCCCTGCAGTG

Gene: TSC2 (TSC complex subunit 2; plus strand). Cytogenetic location: 16p13.3.
Variant type: Insertion.
Coding change: c.5069-47_5069-46insCAGGAAAGGTAGGGCCGGGTGGGGCCCTGCAGTGCAGGAAAGGTAGGACCGGGTGGGGCCCTGCAGTG on transcript NM_000548.5 (MANE Select); 47 bases into the intron before coding-DNA position 5069 through 46 bases into the intron before coding-DNA position 5069, CAGGAAAGGTAGGGCCGGGTGGGGCCCTGCAGTGCAGGAAAGGTAGGACCGGGTGGGGCCCTGCAGTG inserted.
Molecular consequence: intron variant.
Genome position: GRCh38: chr16:2,088,001-2,088,002. GRCh37 (hg19): chr16:2,138,002-2,138,003.
Other names: c.4337-47_4337-46insCAGGAAAGGTAGGGCCGGGTGGGGCCCTGCAGTGCAGGAAAGGTAGGACCGGGTGGGGCCCTGCAGTG (NM_001318831.2); c.4268-47_4268-46insCAGGAAAGGTAGGGCCGGGTGGGGCCCTGCAGTGCAGGAAAGGTAGGACCGGGTGGGGCCCTGCAGTG (NM_001406688.1, NM_001406687.1); c.4811-47_4811-46insCAGGAAAGGTAGGGCCGGGTGGGGCCCTGCAGTGCAGGAAAGGTAGGACCGGGTGGGGCCCTGCAGTG (NM_001406677.1); c.4853-47_4853-46insCAGGAAAGGTAGGGCCGGGTGGGGCCCTGCAGTGCAGGAAAGGTAGGACCGGGTGGGGCCCTGCAGTG (NM_001406675.1); c.4850-47_4850-46insCAGGAAAGGTAGGGCCGGGTGGGGCCCTGCAGTGCAGGAAAGGTAGGACCGGGTGGGGCCCTGCAGTG (NM_001406676.1); c.4724-47_4724-46insCAGGAAAGGTAGGGCCGGGTGGGGCCCTGCAGTGCAGGAAAGGTAGGACCGGGTGGGGCCCTGCAGTG (NM_001318829.2); c.4721-47_4721-46insCAGGAAAGGTAGGGCCGGGTGGGGCCCTGCAGTGCAGGAAAGGTAGGACCGGGTGGGGCCCTGCAGTG (NM_001406679.1); c.4271-47_4271-46insCAGGAAAGGTAGGGCCGGGTGGGGCCCTGCAGTGCAGGAAAGGTAGGACCGGGTGGGGCCCTGCAGTG (NM_001406686.1, NM_001406685.1); and 26 more.
Identifiers: ClinVar variation 5039740 (VCV005039740.1).